The following is an entry in ClinVar:

NM_001048174.2(MUTYH):c.29G>T (p.Ser10Ile)

Gene: MUTYH (mutY DNA glycosylase; minus strand). Cytogenetic location: 1p34.1.
Variant type: single nucleotide variant.
Coding change: c.29G>T on transcript NM_001048174.2 (MANE Select); coding-DNA position 29, G replaced by T.
Protein change: p.Ser10Ile; replaces serine 10 with isoleucine.
Molecular consequence: missense variant. On other transcripts: 5 prime UTR variant (7), non-coding transcript variant (7).
Genome position (GRCh38, 1-based): chr1:45,334,477, C>A on the plus strand (G>T on the coding strand, the complement: MUTYH is on the minus strand). VCF-style: chr1-45334477-C-A. GRCh37 (hg19) VCF-style: chr1-45800149-C-A.
Other names: c.29G>T, p.Ser10Ile (NM_001048173.2, NM_001293191.2, NM_001293195.2 and 15 more transcripts); c.71G>T, p.Ser24Ile (NM_001128425.2, NM_001293190.2, NM_001407069.1 and 2 more transcripts); c.-184G>T (NM_001293192.2, NM_001293196.2, NM_001407091.1); c.-243G>T (NM_001350650.2); c.-179G>T (NM_001350651.2, NM_001407082.1); c.-128G>T (NM_001407075.1); c.47G>T, p.Ser16Ile (NM_001407087.1); short protein forms S24I, S10I, S16I.
Identifiers: ClinVar variation 4113806 (VCV004113806.1).

ClinVar aggregate classification (germline): Uncertain significance (1 of 4 stars; one submission).

Conditions:
Hereditary cancer-predisposing syndrome. Also called: Hereditary neoplastic syndrome; Neoplastic Syndromes, Hereditary; Tumor predisposition; Hereditary Cancer Syndrome. Identifiers: Orphanet 140162, MedGen C0027672, MeSH D009386, MONDO:0015356.

Submission:

Ambry Genetics
Classification: Uncertain significance for Hereditary cancer-predisposing syndrome. Last evaluated: 2025-08-27. Review status: criteria provided, single submitter. Criteria: Ambry Variant Classification Scheme 2023. Collection method: clinical testing. Allele origin: germline.
Comment: The p.S24I variant (also known as c.71G>T), located in coding exon 2 of the MUTYH gene, results from a G to T substitution at nucleotide position 71. The serine at codon 24 is replaced by isoleucine, an amino acid with dissimilar properties. This amino acid position is conserved. In addition, this alteration is predicted to be tolerated by in silico analysis. Based on the available evidence, the clinical significance of this variant remains unclear.